The following is an entry in ClinVar:

NM_001430.5(EPAS1):c.2000T>G (p.Leu667Trp)

Gene: EPAS1 (endothelial PAS domain protein 1; plus strand). Cytogenetic location: 2p21.
Variant type: single nucleotide variant.
Coding change: c.2000T>G on transcript NM_001430.5 (MANE Select); coding-DNA position 2000, T replaced by G.
Protein change: p.Leu667Trp; replaces leucine 667 with tryptophan.
Molecular consequence: missense variant.
Genome position (GRCh38, 1-based): chr2:46,380,672, T>G. VCF-style: chr2-46380672-T-G. GRCh37 (hg19) VCF-style: chr2-46607811-T-G.
Other names: short protein forms L667W.
Identifiers: ClinVar variation 1784238 (VCV001784238.2), dbSNP rs2546477919, ClinGen allele CA346705319.

ClinVar aggregate classification (germline): Uncertain significance (1 of 4 stars; one submission).

Conditions:
Inborn genetic diseases. Identifiers: MedGen C0950123, MeSH D030342.

Submission:

Ambry Genetics
Classification: Uncertain significance for Inborn genetic diseases. Last evaluated: 2021-12-10. Review status: criteria provided, single submitter. Criteria: Ambry Variant Classification Scheme 2023. Collection method: clinical testing. Allele origin: germline.
Comment: The p.L667W variant (also known as c.2000T>G), located in coding exon 12 of the EPAS1 gene, results from a T to G substitution at nucleotide position 2000. The leucine at codon 667 is replaced by tryptophan, an amino acid with similar properties. This amino acid position is conserved. In addition, this alteration is predicted to be tolerated by in silico analysis. Since supporting evidence is limited at this time, the clinical significance of this alteration remains unclear.